The following is an entry in ClinVar:

ClinVar aggregate classification (germline): Uncertain significance (1 of 4 stars; one submission).

Conditions:
Hereditary cancer-predisposing syndrome. Also called: Tumor predisposition; Hereditary Cancer Syndrome; Hereditary neoplastic syndrome; Neoplastic Syndromes, Hereditary. Identifiers: Orphanet 140162, MedGen C0027672, MeSH D009386, MONDO:0015356.

Submission:

Ambry Genetics
Classification: Uncertain significance for Hereditary cancer-predisposing syndrome. Last evaluated: 2024-05-28. Review status: criteria provided, single submitter. Criteria: Ambry Variant Classification Scheme 2023. Collection method: clinical testing. Allele origin: germline.
Comment: The c.5071_5073delCCT variant (also known as p.P1691del) is located in coding exon 15 of the APC gene. This variant results from an in-frame CCT deletion at nucleotide positions 5071 to 5073. This results in the in-frame deletion of a proline at codon 1691. This amino acid position is highly conserved through mammals but not in all available vertebrate species. In addition, this alteration is predicted to be neutral by in silico analysis (Choi Y et al. PLoS ONE. 2012; 7(10):e46688). Based on the available evidence, the clinical significance of this variant remains unclear.

NM_000038.6(APC):c.5071_5073del (p.Pro1691del)

Gene: APC (APC regulator of Wnt signaling pathway; plus strand). Cytogenetic location: 5q22.2.
Variant type: Deletion.
Coding change: c.5071_5073del on transcript NM_000038.6 (MANE Select); coding-DNA positions 5071 to 5073, 3 bases deleted (CCT; older notation c.5071_5073delCCT).
Protein change: p.Pro1691del; deletes proline 1691.
Molecular consequence: inframe deletion. On other transcripts: non-coding transcript variant (2).
Genome position (GRCh38, 1-based): chr5:112,840,665-112,840,667, CCT deleted; deleting any 3 consecutive bases within chr5:112,840,664-112,840,667 gives the same sequence; the c. name uses the placement nearest the transcript's 3' end. VCF-style (leftmost placement, unchanged base first): chr5-112840663-TTCC-T. GRCh37 (hg19) VCF-style: chr5-112176360-TTCC-T.
Other names: c.5155_5157del, p.Pro1719del (NM_001407446.1); c.5125_5127del, p.Pro1709del (NM_001407447.1, NM_001407448.1, NM_001407449.1 and 1 more transcripts); c.5071_5073del, p.Pro1691del (NM_001407450.1, NM_001354895.2, NM_001127510.3); c.5050_5052del, p.Pro1684del (NM_001407451.1); c.5041_5043del, p.Pro1681del (NM_001407452.1); c.4894_4896del, p.Pro1632del (NM_001407453.1, NM_001354901.2); c.4822_4824del, p.Pro1608del (NM_001407454.1, NM_001407455.1, NM_001407456.1 and 1 more transcripts); c.4768_4770del, p.Pro1590del (NM_001407458.1, NM_001407459.1, NM_001407460.1 and 1 more transcripts); and 11 more; short protein forms P1408del, P1531del, P1562del, P1709del, P1307del, P1565del, P1608del, P1663del.
Identifiers: ClinVar variation 3305325 (VCV003305325.1).